The following is an entry in ClinVar:

NM_000287.4(PEX6):c.2913G>C (p.Lys971Asn)

Gene: PEX6 (peroxisomal biogenesis factor 6; minus strand). Cytogenetic location: 6p21.1.
Variant type: single nucleotide variant.
Coding change: c.2913G>C on transcript NM_000287.4 (MANE Select); coding-DNA position 2913, G replaced by C.
Protein change: p.Lys971Asn; replaces lysine 971 with asparagine.
Molecular consequence: missense variant. On other transcripts: non-coding transcript variant (1).
Genome position (GRCh38, 1-based): chr6:42,964,365, C>G on the plus strand (G>C on the coding strand, the complement: PEX6 is on the minus strand). VCF-style: chr6-42964365-C-G. GRCh37 (hg19) VCF-style: chr6-42932103-C-G.
Other names: c.2649G>C, p.Lys883Asn (NM_001316313.2); short protein forms K883N, K971N.
Identifiers: ClinVar variation 1714549 (VCV001714549.6), dbSNP rs1216529299, ClinGen allele CA364149108.

ClinVar aggregate classification (germline): Uncertain significance (1 of 4 stars; one submission).

Conditions:
Peroxisome biogenesis disorder. Identifiers: Orphanet 79189, MedGen C1832200, MONDO:0019234. Disease mechanism: loss of function.

Allele frequency attached by ClinVar (database versions not stated): gnomAD exomes below 0.00001; TOPMed below 0.00001; gnomAD 0.00001.
gnomAD v4.1: 2 of 1,613,752 alleles (0.00012%); highest among the groups gnomAD compares: African/African-American, 0.0027%; no homozygotes.

Submission:

Labcorp Genetics (formerly Invitae), Labcorp
Classification: Uncertain significance for Peroxisome biogenesis disorder. Last evaluated: 2022-08-01. Review status: criteria provided, single submitter. Criteria: Invitae Variant Classification Sherloc (09022015). Collection method: clinical testing. Allele origin: germline.
Comment: In summary, the available evidence is currently insufficient to determine the role of this variant in disease. Therefore, it has been classified as a Variant of Uncertain Significance. Algorithms developed to predict the effect of missense changes on protein structure and function are either unavailable or do not agree on the potential impact of this missense change (SIFT: "Tolerated"; PolyPhen-2: "Possibly Damaging"; Align-GVGD: "Class C0"). This variant has not been reported in the literature in individuals affected with PEX6-related conditions. This variant is not present in population databases (gnomAD no frequency). This sequence change replaces lysine, which is basic and polar, with asparagine, which is neutral and polar, at codon 971 of the PEX6 protein (p.Lys971Asn).